The following is an entry in ClinVar:

NM_152384.3(BBS5):c.829G>A (p.Glu277Lys)

Gene: BBS5 (Bardet-Biedl syndrome 5; plus strand). Cytogenetic location: 2q31.1.
Variant type: single nucleotide variant.
Coding change: c.829G>A on transcript NM_152384.3 (MANE Select); coding-DNA position 829, G replaced by A.
Protein change: p.Glu277Lys; replaces glutamic acid 277 with lysine.
Molecular consequence: missense variant.
Genome position (GRCh38, 1-based): chr2:169,503,107, G>A. VCF-style: chr2-169503107-G-A. GRCh37 (hg19) VCF-style: chr2-170359617-G-A.
Other names: c.829G>A (NM_152384.2); short protein forms E277K.
Identifiers: ClinVar variation 1516786 (VCV001516786.8), dbSNP rs754858756, ClinGen allele CA1956344.

ClinVar aggregate classification (germline): Uncertain significance. Review status: criteria provided, multiple submitters, no conflicts (2 of 4 stars). 4 submissions from 4 submitters: Uncertain significance (3). 1 of the submissions does not count toward it. Last evaluated 2024-08-05.

Conditions:
Bardet-Biedl syndrome 5 (BBS5). Identifiers: Orphanet 110, MedGen C3892039, MONDO:0014434, OMIM 615983.
Inborn genetic diseases. Identifiers: MedGen C0950123, MeSH D030342.
BBS5-related disorder. Also called: BBS5-related condition.
Bardet-Biedl syndrome (BBS). Identifiers: Orphanet 110, MedGen C0752166, MONDO:0015229.

Allele frequency attached by ClinVar (database versions not stated): ExAC 0.00002; gnomAD exomes 0.00003; gnomAD 0.00005; TOPMed 0.00005.
gnomAD v4.1: 49 of 1,613,566 alleles (0.003%); highest among the groups gnomAD compares: African/African-American, 0.015%; no homozygotes.

Submissions (4):

Ambry Genetics
Classification: Uncertain significance for Inborn genetic diseases. Last evaluated: 2024-08-05. Review status: criteria provided, single submitter. Criteria: Ambry Variant Classification Scheme 2023. Collection method: clinical testing. Allele origin: germline.

Fulgent Genetics
Classification: Uncertain significance for Bardet-Biedl syndrome 5. Last evaluated: 2024-06-12. Review status: criteria provided, single submitter. Criteria: ACMG Guidelines, 2015. Collection method: clinical testing. Allele origin: germline.

Labcorp Genetics (formerly Invitae), Labcorp
Classification: Uncertain significance for Bardet-Biedl syndrome. Last evaluated: 2022-11-01. Review status: criteria provided, single submitter. Criteria: Invitae Variant Classification Sherloc (09022015). Collection method: clinical testing. Allele origin: germline.
Comment: This sequence change replaces glutamic acid, which is acidic and polar, with lysine, which is basic and polar, at codon 277 of the BBS5 protein (p.Glu277Lys). This variant is present in population databases (rs754858756, gnomAD 0.02%). This variant has not been reported in the literature in individuals affected with BBS5-related conditions. ClinVar contains an entry for this variant (Variation ID: 1516786). Advanced modeling of protein sequence and biophysical properties (such as structural, functional, and spatial information, amino acid conservation, physicochemical variation, residue mobility, and thermodynamic stability) performed at Invitae indicates that this missense variant is not expected to disrupt BBS5 protein function. In summary, the available evidence is currently insufficient to determine the role of this variant in disease. Therefore, it has been classified as a Variant of Uncertain Significance.

PreventionGenetics, part of Exact Sciences
Classification: Uncertain significance for BBS5-related condition. Last evaluated: 2024-05-08. Review status: no assertion criteria provided. Collection method: clinical testing. Allele origin: germline. Not counted in ClinVar's aggregate classification.
Comment: The BBS5 c.829G>A variant is predicted to result in the amino acid substitution p.Glu277Lys. To our knowledge, this variant has not been reported in the literature. This variant is reported in 0.024% of alleles in individuals of African descent in gnomAD. At this time, the clinical significance of this variant is uncertain due to the absence of conclusive functional and genetic evidence.